The following is an entry in ClinVar:

NM_014714.4(IFT140):c.4354G>A (p.Glu1452Lys)

Gene: IFT140 (intraflagellar transport 140; minus strand). Cytogenetic location: 16p13.3.
Variant type: single nucleotide variant.
Coding change: c.4354G>A on transcript NM_014714.4 (MANE Select); coding-DNA position 4354, G replaced by A.
Protein change: p.Glu1452Lys; replaces glutamic acid 1452 with lysine.
Molecular consequence: missense variant.
Genome position (GRCh38, 1-based): chr16:1,510,979, C>T on the plus strand (G>A on the coding strand, the complement: IFT140 is on the minus strand). VCF-style: chr16-1510979-C-T. GRCh37 (hg19) VCF-style: chr16-1560980-C-T.
Other names: short protein forms E1452K.
Identifiers: ClinVar variation 887467 (VCV000887467.14), dbSNP rs142106374, ClinGen allele CA7812775.

ClinVar aggregate classification (germline): Conflicting classifications of pathogenicity. Review status: criteria provided, conflicting classifications (1 of 4 stars). 5 submissions from 5 submitters: Uncertain significance (4); Likely benign (1). Last evaluated 2026-01-20.

Conditions:
Retinitis pigmentosa 80 (RP80). Identifiers: MedGen C4540439, MONDO:0054708, OMIM 617781.
Saldino-Mainzer syndrome (SRTD9). Also called: Renal dysplasia, retinal pigmentary dystrophy, cerebellar ataxia and skeletal dysplasia; short-rib thoracic dysplasia 9 with or without polydactyly; CONORENAL SYNDROME; SHORT-RIB THORACIC DYSPLASIA 9 WITHOUT POLYDACTYLY. Identifiers: Orphanet 140969, MedGen C1849437, MONDO:0009964, OMIM 266920.

Allele frequency attached by ClinVar (database versions not stated): ExAC 0.00005; gnomAD exomes 0.00005 and 0.00009; gnomAD 0.00008 and 0.00009; TOPMed 0.00011; ESP Exome Variant Server 0.00023.
gnomAD v4.1: 85 of 1,612,062 alleles (0.0053%); highest among the groups gnomAD compares: Middle Eastern, 0.017%; no homozygotes.

Submissions (5):

Labcorp Genetics (formerly Invitae), Labcorp
Classification: Likely benign for Saldino-Mainzer syndrome. Last evaluated: 2026-01-20. Review status: criteria provided, single submitter. Criteria: Invitae Variant Classification Sherloc (09022015). Collection method: clinical testing. Allele origin: germline.

Blueprint Genetics
Classification: Uncertain significance. Last evaluated: 2024-06-07. Review status: criteria provided, single submitter. Criteria: ACMG Guidelines, 2015. Collection method: clinical testing. Allele origin: germline.

Fulgent Genetics
Classification: Uncertain significance for Saldino-Mainzer syndrome; Retinitis pigmentosa 80. Last evaluated: 2022-05-11. Review status: criteria provided, single submitter. Criteria: ACMG Guidelines, 2015. Collection method: clinical testing. Allele origin: unknown.

Institute of Human Genetics, University of Leipzig Medical Center
Classification: Uncertain significance for Retinitis pigmentosa 80. Last evaluated: 2021-11-04. Review status: criteria provided, single submitter. Criteria: ACMG Guidelines, 2015. Collection method: clinical testing. Allele origin: unknown. Affected: yes.
Comment: _x000D_ Criteria applied: PM2_SUP, PP3

Illumina Laboratory Services, Illumina
Classification: Uncertain significance for Saldino-Mainzer syndrome. Last evaluated: 2017-04-28. Review status: criteria provided, single submitter. Criteria: ICSL Variant Classification Criteria 13 December 2019. Collection method: clinical testing. Allele origin: germline.